The following is an entry in ClinVar:

ClinVar aggregate classification (germline): Uncertain significance. Review status: criteria provided, multiple submitters, no conflicts (2 of 4 stars). 3 submissions from 3 submitters: Uncertain significance (3). Last evaluated 2025-04-17.

Conditions:
Inborn genetic diseases. Identifiers: MedGen C0950123, MeSH D030342.
Episodic ataxia type 2 (EA2). Also called: ATAXIA, EPISODIC, WITH NYSTAGMUS; ATAXIA, FAMILIAL PAROXYSMAL; CEREBELLAR ATAXIA, PAROXYSMAL, ACETAZOLAMIDE-RESPONSIVE; CEREBELLOPATHY, HEREDITARY PAROXYSMAL; EPISODIC ATAXIA, NYSTAGMUS-ASSOCIATED; ACETAZOLAMIDE-RESPONSIVE HEREDITARY PAROXYSMAL CEREBELLAR ATAXIA. Identifiers: Orphanet 97, MedGen C1720416, MONDO:0007163, OMIM 108500.
Migraine, familial hemiplegic, 1. Also called: MIGRAINE, FAMILIAL HEMIPLEGIC 1, WITH PROGRESSIVE CEREBELLAR ATAXIA. Identifiers: Orphanet 569, MedGen C1832884, MONDO:0020756, OMIM 141500, MONDO:0007714.
Spinocerebellar ataxia type 6 (SCA6). Identifiers: Orphanet 98758, MedGen C0752124, MONDO:0008457, OMIM 183086.
Developmental and epileptic encephalopathy, 42 (DEE42A). Also called: Epileptic encephalopathy, early infantile, 42; DEVELOPMENTAL AND EPILEPTIC ENCEPHALOPATHY 42A; EPILEPTIC ENCEPHALOPATHY, EARLY INFANTILE, 42A. Identifiers: MedGen C4310716, MONDO:0014917, OMIM 617106.

Allele frequency attached by ClinVar (database versions not stated): TOPMed below 0.00001; ExAC 0.00001.
gnomAD v4.1: 61 of 1,613,346 alleles (0.0038%); highest among the groups gnomAD compares: Non-Finnish European, 0.0052%; no homozygotes.

Submissions (3):

Ambry Genetics
Classification: Uncertain significance for Inborn genetic diseases. Last evaluated: 2025-04-17. Review status: criteria provided, single submitter. Criteria: Ambry Variant Classification Scheme 2023. Collection method: clinical testing. Allele origin: germline.

Blueprint Genetics
Classification: Uncertain significance. Last evaluated: 2022-10-28. Review status: criteria provided, single submitter. Criteria: ACMG Guidelines, 2015. Collection method: clinical testing. Allele origin: germline.

Center for Genomics, Ann and Robert H. Lurie Children's Hospital of Chicago
Classification: Uncertain significance for Spinocerebellar ataxia type 6; Episodic ataxia type 2; Developmental and epileptic encephalopathy, 42; Migraine, familial hemiplegic, 1. Review status: criteria provided, single submitter. Criteria: ACMG Guidelines, 2015. Collection method: clinical testing. Allele origin: germline.
Comment: CACNA1A NM_001127221 exon 43 p.Ala2092Thr (c.6274G>A): This variant has not been reported in the literature but is present in 2/110892 European alleles in the Genome Aggregation Database. This variant amino acid Threonine (Thr) is present in 9 other species including mammals; this suggests that this variant may not impact the protein. Additional computational prediction tools do not suggest an impact. In summary, data on this variant is insufficient for disease classification. Therefore, the clinical significance of this variant is uncertain.

NM_001127222.2(CACNA1A):c.6271G>A (p.Ala2091Thr)

Gene: CACNA1A (calcium voltage-gated channel subunit alpha1 A; minus strand). Cytogenetic location: 19p13.13.
Variant type: single nucleotide variant.
Coding change: c.6271G>A on transcript NM_001127222.2 (MANE Select); coding-DNA position 6271, G replaced by A.
Protein change: p.Ala2091Thr; replaces alanine 2091 with threonine.
Molecular consequence: missense variant.
Genome position (GRCh38, 1-based): chr19:13,212,135, C>T on the plus strand (G>A on the coding strand, the complement: CACNA1A is on the minus strand). VCF-style: chr19-13212135-C-T. GRCh37 (hg19) VCF-style: chr19-13322949-C-T.
Other names: c.6289G>A, p.Ala2097Thr (NM_000068.4, NM_023035.3); c.6274G>A, p.Ala2092Thr (NM_001127221.2); c.6280G>A, p.Ala2094Thr (NM_001174080.2); short protein forms A2091T, A2092T, A2094T, A2097T.
Identifiers: ClinVar variation 2500115 (VCV002500115.4), dbSNP rs371172398, ClinGen allele CA9239416.